The following is an entry in ClinVar:

ClinVar aggregate classification (germline): Uncertain significance. Review status: criteria provided, multiple submitters, no conflicts (2 of 4 stars). 5 submissions from 5 submitters: Uncertain significance (5). Last evaluated 2025-05-16.

Conditions:
Inborn genetic diseases. Identifiers: MedGen C0950123, MeSH D030342.

Allele frequency attached by ClinVar (database versions not stated): gnomAD exomes 0.00001 and 0.00004; ExAC 0.00003; gnomAD 0.00004; 1000 Genomes Project 30x 0.00031; TOPMed 0.00011; 1000 Genomes Project 0.00020.
gnomAD v4.1: 30 of 1,613,556 alleles (0.0019%); highest among the groups gnomAD compares: Admixed American, 0.02%; no homozygotes.

Submissions (5):

Revvity Omics, Revvity
Classification: Uncertain significance. Last evaluated: 2025-05-16. Review status: criteria provided, single submitter. Criteria: ACMG Guidelines, 2015. Collection method: clinical testing. Allele origin: germline.

Blueprint Genetics
Classification: Uncertain significance. Last evaluated: 2024-08-30. Review status: criteria provided, single submitter. Criteria: ACMG Guidelines, 2015. Collection method: clinical testing. Allele origin: germline.

Labcorp Genetics (formerly Invitae), Labcorp
Classification: Uncertain significance. Last evaluated: 2022-11-08. Review status: criteria provided, single submitter. Criteria: Invitae Variant Classification Sherloc (09022015). Collection method: clinical testing. Allele origin: germline.
Comment: This sequence change replaces asparagine, which is neutral and polar, with tyrosine, which is neutral and polar, at codon 158 of the RBP3 protein (p.Asn158Tyr). This variant is present in population databases (rs199588885, gnomAD 0.04%). This variant has not been reported in the literature in individuals affected with RBP3-related conditions. ClinVar contains an entry for this variant (Variation ID: 452178). Algorithms developed to predict the effect of missense changes on protein structure and function are either unavailable or do not agree on the potential impact of this missense change (SIFT: "Deleterious"; PolyPhen-2: "Possibly Damaging"; Align-GVGD: "Class C0"). In summary, the available evidence is currently insufficient to determine the role of this variant in disease. Therefore, it has been classified as a Variant of Uncertain Significance.

Ambry Genetics
Classification: Uncertain significance for Inborn genetic diseases. Last evaluated: 2021-09-16. Review status: criteria provided, single submitter. Criteria: Ambry Variant Classification Scheme 2023. Collection method: clinical testing. Allele origin: germline.

GeneDx
Classification: Uncertain significance. Last evaluated: 2017-09-25. Review status: criteria provided, single submitter. Criteria: GeneDx Variant Classification (06012015). Collection method: clinical testing. Allele origin: germline. Affected: yes.
Comment: The N158Y variant in the RBP3 gene has not been reported previously as a pathogenic variant, nor as a benign variant, to our knowledge. The N158Y variant is not observed at a significant frequency in large population cohorts (Lek et al., 2016). The N158Y variant is a semi-conservative amino acid substitution, which may impact secondary protein structure as these residues differ in some properties. This substitution occurs at a position that is not conserved across species. In silico analysis is inconsistent in its predictions as to whether or not the variant is damaging to the protein structure/function. We interpret N158Y as a variant of uncertain significance.

NM_002900.3(RBP3):c.472A>T (p.Asn158Tyr)

Gene: RBP3 (retinol binding protein 3; plus strand). Cytogenetic location: 10q11.22.
Variant type: single nucleotide variant.
Coding change: c.472A>T on transcript NM_002900.3 (MANE Select); coding-DNA position 472, A replaced by T.
Protein change: p.Asn158Tyr; replaces asparagine 158 with tyrosine.
Molecular consequence: missense variant.
Genome position (GRCh38, 1-based): chr10:47,348,956, A>T. VCF-style: chr10-47348956-A-T. GRCh37 (hg19) VCF-style: chr10-48390406-T-A.
Other names: short protein forms N158Y.
Identifiers: ClinVar variation 452178 (VCV000452178.13), dbSNP rs199588885, ClinGen allele CA5487781.
Genomic context (GRCh38, chr10:47,348,956, plus strand): 5'-GTCCCGGGCCAGGAGGTGCTGAGCATGATGGGGGAGTTCCTGGTGGCCCACGTGTGGGGG[A>T]ATCTCATGGGCACCTCCGCCTTAGTGCTGGATCTCCGGCACTGCACAGGAGGCCAGGTCT-3'
Protein context (NP_002891.1, residues 148-168): GEFLVAHVWG[Asn158Tyr]LMGTSALVLD